The following is an entry in ClinVar:

NM_001005273.3(CHD3):c.1637C>T (p.Ser546Leu)

Gene: CHD3 (chromodomain helicase DNA binding protein 3; plus strand). Cytogenetic location: 17p13.1.
Variant type: single nucleotide variant.
Coding change: c.1637C>T on transcript NM_001005273.3 (MANE Select); coding-DNA position 1637, C replaced by T.
Protein change: p.Ser546Leu; replaces serine 546 with leucine.
Molecular consequence: missense variant.
Genome position (GRCh38, 1-based): chr17:7,895,472, C>T. VCF-style: chr17-7895472-C-T. GRCh37 (hg19) VCF-style: chr17-7798790-C-T.
Other names: c.1814C>T, p.Ser605Leu (NM_001005271.3); c.1637C>T, p.Ser546Leu (NM_005852.4); short protein forms S546L, S605L.
Identifiers: ClinVar variation 3253022 (VCV003253022.1), dbSNP rs2544842789.
Genomic context (GRCh38, chr17:7,895,472, plus strand): 5'-CCCCTCAACAGGCAGATGGAAATCCAGATGTCCCACCCCCCCGTCCTCTTCAAGGCAGAT[C>T]AGAGCGAGAGTTCTTTGTCAAGTGGGTAGGACTATCCTACTGGCACTGCTCCTGGGCCAA-3'
Protein context (NP_001005273.1, residues 536-556): VPPPRPLQGR[Ser546Leu]EREFFVKWVG

ClinVar aggregate classification (germline): Uncertain significance (1 of 4 stars; one submission).

Submission:

GeneDx
Classification: Uncertain significance. Last evaluated: 2023-10-06. Review status: criteria provided, single submitter. Criteria: GeneDx Variant Classification Process June 2021. Collection method: clinical testing. Allele origin: germline. Affected: yes.
Comment: Not observed at significant frequency in large population cohorts (gnomAD); In silico analysis supports that this missense variant does not alter protein structure/function; Has not been previously published as pathogenic or benign to our knowledge